The following is an entry in ClinVar:

NM_000038.6(APC):c.8166del (p.Asn2723fs)

Gene: APC (APC regulator of Wnt signaling pathway; plus strand). Cytogenetic location: 5q22.2.
Variant type: Deletion.
Coding change: c.8166del on transcript NM_000038.6 (MANE Select); coding-DNA position 8166, one base deleted (G; older notation c.8166delG).
Protein change: p.Asn2723fs; shifts the reading frame from asparagine 2723.
Molecular consequence: frameshift variant.
Genome position (GRCh38, 1-based): chr5:112,843,760, G deleted. VCF-style (leftmost placement, unchanged base first): chr5-112843759-TG-T. GRCh37 (hg19) VCF-style: chr5-112179456-TG-T.
Other names: c.8166del, p.Asn2723fs (NM_001127510.3, NM_001354895.2); c.8112del, p.Asn2705fs (NM_001127511.3); c.8220del, p.Asn2741fs (NM_001354896.2); c.8196del, p.Asn2733fs (NM_001354897.2); c.8091del, p.Asn2698fs (NM_001354898.2); c.8082del, p.Asn2695fs (NM_001354899.2); c.8043del, p.Asn2682fs (NM_001354900.2); c.7989del, p.Asn2664fs (NM_001354901.2); and 5 more; short protein forms N2597fs, N2695fs, N2664fs, N2723fs, N2622fs, N2632fs, N2682fs, N2741fs.
Identifiers: ClinVar variation 1508956 (VCV001508956.6), dbSNP rs2150000317, ClinGen allele CA2573138682.
Genomic context (GRCh38, chr5:112,843,759, plus strand): 5'-CAAAACAAAATGTGGGTAATGGCAGTGTTCCCATGCGTACCGTGGGTTTGGAAAATCGCC[TG>T]AACTCCTTTATTCAGGTGGATGCCCCTGACCAAAAAGGAACTGAGATAAAACCAGGACAA-3'

ClinVar aggregate classification (germline): Uncertain significance (1 of 4 stars; one submission).

Conditions:
Familial adenomatous polyposis 1 (FAP1). Also called: FAMILIAL ADENOMATOUS POLYPOSIS 1, ATTENUATED; POLYPOSIS, ADENOMATOUS INTESTINAL. Identifiers: MedGen C2713442, MONDO:0021056, OMIM 175100. Disease mechanism: loss of function.

Submission:

Labcorp Genetics (formerly Invitae), Labcorp
Classification: Uncertain significance for Familial adenomatous polyposis 1. Last evaluated: 2021-11-17. Review status: criteria provided, single submitter. Criteria: Invitae Variant Classification Sherloc (09022015). Collection method: clinical testing. Allele origin: germline.
Comment: In summary, the available evidence is currently insufficient to determine the role of this variant in disease. Therefore, it has been classified as a Variant of Uncertain Significance. Experimental studies and prediction algorithms are not available or were not evaluated, and the functional significance of this variant is currently unknown. This variant has not been reported in the literature in individuals affected with APC-related conditions. This variant is not present in population databases (gnomAD no frequency). This sequence change creates a premature translational stop signal (p.Asn2723Thrfs*16) in the APC gene. While this is not anticipated to result in nonsense mediated decay, it is expected to disrupt the last 121 amino acid(s) of the APC protein.